The following is an entry in ClinVar:

NM_007294.4(BRCA1):c.554A>T (p.Asp185Val)

Gene: BRCA1 (BRCA1 DNA repair associated; minus strand). Cytogenetic location: 17q21.31.
Variant type: single nucleotide variant.
Coding change: c.554A>T on transcript NM_007294.4 (MANE Select); coding-DNA position 554, A replaced by T.
Protein change: p.Asp185Val; replaces aspartic acid 185 with valine.
Molecular consequence: missense variant. On other transcripts: intron variant (115).
Genome position (GRCh38, 1-based): chr17:43,097,283, T>A on the plus strand (A>T on the coding strand, the complement: BRCA1 is on the minus strand). VCF-style: chr17-43097283-T-A. GRCh37 (hg19) VCF-style: chr17-41249300-T-A.
Other names: c.413A>T, p.Asp138Val (NM_001408458.1, NM_001408459.1, NM_001408460.1 and 43 more transcripts); c.407-2423A>T (NM_001408498.1, NM_001407928.1, NM_001407925.1 and 15 more transcripts); c.410A>T, p.Asp137Val (NM_001408462.1, NM_001408465.1, NM_001408468.1 and 26 more transcripts); c.467-2423A>T (NM_001408475.1, NM_001407875.1, NM_001407874.1); c.335-2423A>T (NM_001408508.1, NM_001408509.1, NM_001407958.1 and 3 more transcripts); c.338-2423A>T (NM_001407957.1, NM_001407953.1, NM_001407949.1 and 7 more transcripts); c.545-2423A>T (NM_001408446.1, NM_001408435.1, NM_001407691.1 and 20 more transcripts); c.341A>T, p.Asp114Val (NM_001407571.1, NM_001407853.1, NM_001407894.1 and 12 more transcripts); and 17 more; short protein forms D158V, D137V, D138V, D184V, D57V, D58V, D114V, D115V.
Identifiers: ClinVar variation 2750011 (VCV002750011.3), dbSNP rs2154521628, ClinGen allele CA10601017.
Genomic context (GRCh38, chr17:43,097,283, plus strand): 5'-CAAAGGTTCTCTTTGACTCACCTGCAATAAGTTGCCTTATTAACGGTATCTTCAGAAGAA[T>A]CAGATCCTAAAAAATTTCCCCCCAAAAAATAAATCAATAAAAGTTTTCTTAATTAAAAGG-3'
Protein context (NP_009225.1, residues 175-195): KTSVYIELGS[Asp185Val]SSEDTVNKAT

ClinVar aggregate classification (germline): Uncertain significance (1 of 4 stars; one submission).

Conditions:
Hereditary breast ovarian cancer syndrome. Also called: Hereditary breast and ovarian cancer; Hereditary breast and ovarian cancer syndrome; Breast and ovarian cancer; BRCA1- and BRCA2-Associated Hereditary Breast and Ovarian Cancer; Hereditary breast and ovarian cancer syndrome (HBOC); Hereditary breast and/or ovarian cancer syndrome. Identifiers: Orphanet 145, MedGen C0677776, MeSH D061325, MONDO:0003582. Disease mechanism: loss of function.

Submission:

Labcorp Genetics (formerly Invitae), Labcorp
Classification: Uncertain significance for Hereditary breast ovarian cancer syndrome. Last evaluated: 2023-05-30. Review status: criteria provided, single submitter. Criteria: Invitae Variant Classification Sherloc (09022015). Collection method: clinical testing. Allele origin: germline.
Comment: This variant has not been reported in the literature in individuals affected with BRCA1-related conditions. In summary, the available evidence is currently insufficient to determine the role of this variant in disease. Therefore, it has been classified as a Variant of Uncertain Significance. Advanced modeling of protein sequence and biophysical properties (such as structural, functional, and spatial information, amino acid conservation, physicochemical variation, residue mobility, and thermodynamic stability) performed at Invitae indicates that this missense variant is expected to disrupt BRCA1 protein function. This variant is not present in population databases (gnomAD no frequency). This sequence change replaces aspartic acid, which is acidic and polar, with valine, which is neutral and non-polar, at codon 185 of the BRCA1 protein (p.Asp185Val).